The following is an entry in ClinVar:

ClinVar aggregate classification (germline): Uncertain significance (1 of 4 stars; one submission).

Conditions:
MHC class I deficiency. Identifiers: Orphanet 34592, MedGen C6024714, MONDO:0011476.

Submission:

Labcorp Genetics (formerly Invitae), Labcorp
Classification: Uncertain significance for MHC class I deficiency 1. Last evaluated: 2025-10-06. Review status: criteria provided, single submitter. Criteria: Invitae Variant Classification Sherloc (09022015). Collection method: clinical testing. Allele origin: germline.
Comment: This sequence change replaces glutamic acid, which is acidic and polar, with glycine, which is neutral and non-polar, at codon 92 of the TAPBP protein (p.Glu92Gly). This variant is not present in population databases (gnomAD no frequency). This variant has not been reported in the literature in individuals affected with TAPBP-related conditions. An algorithm developed to predict the effect of missense changes on protein structure and function (PolyPhen-2) suggests that this variant is likely to be disruptive. In summary, the available evidence is currently insufficient to determine the role of this variant in disease. Therefore, it has been classified as a Variant of Uncertain Significance.

NM_003190.5(TAPBP):c.275A>G (p.Glu92Gly)

Gene: TAPBP (TAP binding protein; minus strand). Cytogenetic location: 6p21.32.
Variant type: single nucleotide variant.
Coding change: c.275A>G on transcript NM_003190.5 (MANE Select); coding-DNA position 275, A replaced by G.
Protein change: p.Glu92Gly; replaces glutamic acid 92 with glycine.
Molecular consequence: missense variant. On other transcripts: intron variant (1).
Genome position (GRCh38, 1-based): chr6:33,313,411, T>C on the plus strand (A>G on the coding strand, the complement: TAPBP is on the minus strand). VCF-style: chr6-33313411-T-C. GRCh37 (hg19) VCF-style: chr6-33281188-T-C.
Other names: c.275A>G, p.Glu92Gly (NM_001410875.1, NM_172208.3); c.208+283A>G (NM_172209.3); short protein forms E92G.
Identifiers: ClinVar variation 4723663 (VCV004723663.1).